The following is an entry in ClinVar:

ClinVar aggregate classification (germline): Uncertain significance (1 of 4 stars; one submission).

Conditions:
Progressive sclerosing poliodystrophy (MTDPS4A). Also called: ALPERS PROGRESSIVE INFANTILE POLIODYSTROPHY; NEURONAL DEGENERATION OF CHILDHOOD WITH LIVER DISEASE, PROGRESSIVE; Mitochondrial DNA Depletion Syndrome 4A; Alpers Syndrome; ALPERS DIFFUSE DEGENERATION OF CEREBRAL GRAY MATTER WITH HEPATIC CIRRHOSIS; Alpers-Huttenlocher Syndrome. Identifiers: Orphanet 726, MedGen C0205710, MONDO:0008758, OMIM 203700.

Submission:

Labcorp Genetics (formerly Invitae), Labcorp
Classification: Uncertain significance for Progressive sclerosing poliodystrophy. Last evaluated: 2026-01-24. Review status: criteria provided, single submitter. Criteria: Invitae Variant Classification Sherloc (09022015). Collection method: clinical testing. Allele origin: germline.
Comment: This sequence change replaces serine, which is neutral and polar, with arginine, which is basic and polar, at codon 590 of the POLG protein (p.Ser590Arg). This variant is not present in population databases (gnomAD no frequency). This variant has not been reported in the literature in individuals affected with POLG-related conditions. Invitae Evidence Modeling of protein sequence and biophysical properties (such as structural, functional, and spatial information, amino acid conservation, physicochemical variation, residue mobility, and thermodynamic stability) has been performed for this missense variant. However, the output from this modeling did not meet the statistical confidence thresholds required to predict the impact of this variant on POLG protein function. In summary, the available evidence is currently insufficient to determine the role of this variant in disease. Therefore, it has been classified as a Variant of Uncertain Significance.

NM_002693.3(POLG):c.1768A>C (p.Ser590Arg)

Gene: POLG (DNA polymerase gamma, catalytic subunit; minus strand). Cytogenetic location: 15q26.1.
Variant type: single nucleotide variant.
Coding change: c.1768A>C on transcript NM_002693.3 (MANE Select); coding-DNA position 1768, A replaced by C.
Protein change: p.Ser590Arg; replaces serine 590 with arginine.
Molecular consequence: missense variant.
Genome position (GRCh38, 1-based): chr15:89,325,631, T>G on the plus strand (A>C on the coding strand, the complement: POLG is on the minus strand). VCF-style: chr15-89325631-T-G. GRCh37 (hg19) VCF-style: chr15-89868862-T-G.
Other names: c.1768A>C, p.Ser590Arg (NM_001126131.2); short protein forms S590R.
Identifiers: ClinVar variation 4802417 (VCV004802417.1).